The following is an entry in ClinVar:

NM_003801.4(GPAA1):c.823G>A (p.Glu275Lys)

Gene: GPAA1 (glycosylphosphatidylinositol anchor attachment 1; plus strand). Cytogenetic location: 8q24.3.
Variant type: single nucleotide variant.
Coding change: c.823G>A on transcript NM_003801.4 (MANE Select); coding-DNA position 823, G replaced by A.
Protein change: p.Glu275Lys; replaces glutamic acid 275 with lysine.
Molecular consequence: missense variant.
Genome position (GRCh38, 1-based): chr8:144,084,422, G>A. VCF-style: chr8-144084422-G-A. GRCh37 (hg19) VCF-style: chr8-145139325-G-A.
Other names: short protein forms E275K.
Identifiers: ClinVar variation 1506745 (VCV001506745.3), dbSNP rs112703109, ClinGen allele CA4932947.
Genomic context (GRCh38, chr8:144,084,422, plus strand): 5'-GGCACAGGGTCTGTGGGAGGGGCTGTCTCATCCTGTCCTGCACCTCTAAAGCTGCAGCCC[G>A]AGGACTGGACATCATTGGATGGACCGCTGCAGGGCCTGCAGACACTGCTGCTCATGGTTC-3'
Protein context (NP_003792.1, residues 265-285): LCTLQGKLQP[Glu275Lys]DWTSLDGPLQ

ClinVar aggregate classification (germline): Uncertain significance (1 of 4 stars; one submission).

gnomAD v4.1: 19 of 1,611,480 alleles (0.0012%); highest among the groups gnomAD compares: African/African-American, 0.017%; no homozygotes.

Submission:

Labcorp Genetics (formerly Invitae), Labcorp
Classification: Uncertain significance. Last evaluated: 2022-08-22. Review status: criteria provided, single submitter. Criteria: Invitae Variant Classification Sherloc (09022015). Collection method: clinical testing. Allele origin: germline.
Comment: This sequence change replaces glutamic acid, which is acidic and polar, with lysine, which is basic and polar, at codon 275 of the GPAA1 protein (p.Glu275Lys). This variant is present in population databases (rs112703109, gnomAD 0.03%). This variant has not been reported in the literature in individuals affected with GPAA1-related conditions. ClinVar contains an entry for this variant (Variation ID: 1506745). Algorithms developed to predict the effect of missense changes on protein structure and function (SIFT, PolyPhen-2, Align-GVGD) all suggest that this variant is likely to be tolerated. In summary, the available evidence is currently insufficient to determine the role of this variant in disease. Therefore, it has been classified as a Variant of Uncertain Significance.